The following is an entry in ClinVar:

ClinVar aggregate classification (germline): Uncertain significance (1 of 4 stars; one submission).

Conditions:
Inborn genetic diseases. Identifiers: MedGen C0950123, MeSH D030342.

Submission:

Ambry Genetics
Classification: Uncertain significance for Inborn genetic diseases. Last evaluated: 2020-06-10. Review status: criteria provided, single submitter. Criteria: Ambry Variant Classification Scheme 2023. Collection method: clinical testing. Allele origin: germline.
Comment: The p.A694D variant (also known as c.2081C>A), located in coding exon 4 of the NEFH gene, results from a C to A substitution at nucleotide position 2081. The alanine at codon 694 is replaced by aspartic acid, an amino acid with dissimilar properties. This amino acid position is not well conserved in available vertebrate species. In addition, the in silico prediction for this alteration is inconclusive. Since supporting evidence is limited at this time, the clinical significance of this alteration remains unclear.

NM_021076.4(NEFH):c.2081C>A (p.Ala694Asp)

Gene: NEFH (neurofilament heavy chain; plus strand). Cytogenetic location: 22q12.2.
Variant type: single nucleotide variant.
Coding change: c.2081C>A on transcript NM_021076.4 (MANE Select); coding-DNA position 2081, C replaced by A.
Protein change: p.Ala694Asp; replaces alanine 694 with aspartic acid.
Molecular consequence: missense variant.
Genome position (GRCh38, 1-based): chr22:29,489,721, C>A. VCF-style: chr22-29489721-C-A. GRCh37 (hg19) VCF-style: chr22-29885710-C-A.
Other names: short protein forms A694D.
Identifiers: ClinVar variation 1785567 (VCV001785567.2), dbSNP rs752635950, ClinGen allele CA411133752.